The following is an entry in ClinVar:

ClinVar aggregate classification (germline): Uncertain significance. Review status: criteria provided, multiple submitters, no conflicts (2 of 4 stars). 3 submissions from 3 submitters: Uncertain significance (3). Last evaluated 2026-01-12.

Conditions:
Hereditary cancer-predisposing syndrome. Also called: Neoplastic Syndromes, Hereditary; Tumor predisposition; Hereditary neoplastic syndrome; Hereditary Cancer Syndrome. Identifiers: Orphanet 140162, MedGen C0027672, MeSH D009386, MONDO:0015356.
Familial adenomatous polyposis 1 (FAP1). Also called: FAMILIAL ADENOMATOUS POLYPOSIS 1, ATTENUATED; POLYPOSIS, ADENOMATOUS INTESTINAL. Identifiers: MedGen C2713442, MONDO:0021056, OMIM 175100. Disease mechanism: loss of function.

Allele frequency attached by ClinVar (database versions not stated): gnomAD exomes below 0.00001.
gnomAD v4.1: 1 of 1,612,370 alleles (0.000062%); highest among the groups gnomAD compares: Non-Finnish European, 0.000085%; no homozygotes.

Submissions (3):

Labcorp Genetics (formerly Invitae), Labcorp
Classification: Uncertain significance for Familial adenomatous polyposis 1. Last evaluated: 2026-01-12. Review status: criteria provided, single submitter. Criteria: Invitae Variant Classification Sherloc (09022015). Collection method: clinical testing. Allele origin: germline.
Comment: This sequence change replaces threonine, which is neutral and polar, with isoleucine, which is neutral and non-polar, at codon 297 of the APC protein (p.Thr297Ile). This variant is not present in population databases (gnomAD no frequency). This missense change has been observed in individual(s) with parathyroid cancer (PMID: 35586626). ClinVar contains an entry for this variant (Variation ID: 1368868). Invitae Evidence Modeling of protein sequence and biophysical properties (such as structural, functional, and spatial information, amino acid conservation, physicochemical variation, residue mobility, and thermodynamic stability) indicates that this missense variant is not expected to disrupt APC protein function with a negative predictive value of 95%. In summary, the available evidence is currently insufficient to determine the role of this variant in disease. Therefore, it has been classified as a Variant of Uncertain Significance.

Color Diagnostics, LLC DBA Color Health
Classification: Uncertain significance for Hereditary cancer-predisposing syndrome. Last evaluated: 2025-07-29. Review status: criteria provided, single submitter. Criteria: ACMG Guidelines, 2015. Collection method: clinical testing. Allele origin: germline.
Comment: This missense variant replaces threonine with isoleucine at codon 297 of the APC protein. Computational prediction suggests that this variant may not impact protein structure and function. To our knowledge, functional studies have not been reported for this variant. This variant has not been reported in individuals affected with APC-related disorders in the literature. This variant has not been identified in the general population by the Genome Aggregation Database (gnomAD). The available evidence is insufficient to determine the role of this variant in disease conclusively. Therefore, this variant is classified as a Variant of Uncertain Significance.

Ambry Genetics
Classification: Uncertain significance for Hereditary cancer-predisposing syndrome. Last evaluated: 2024-10-02. Review status: criteria provided, single submitter. Criteria: Ambry Variant Classification Scheme 2023. Collection method: clinical testing. Allele origin: germline.
Comment: The p.T297I variant (also known as c.890C>T), located in coding exon 8 of the APC gene, results from a C to T substitution at nucleotide position 890. The threonine at codon 297 is replaced by isoleucine, an amino acid with similar properties. This amino acid position is well conserved in available vertebrate species. In addition, in silico predictors for this gene do not accurately predict pathogenicity. Missense alterations in APC are not a common cause of disease (Spier I et al. Genet Med. 2024 Feb;26(2):100992). Based on the available evidence, the clinical significance of this variant remains unclear.

Literature cited by the submitters: PubMed 35586626 (cited by Labcorp Genetics (formerly Invitae), Labcorp).

NM_000038.6(APC):c.890C>T (p.Thr297Ile)

Gene: APC (APC regulator of Wnt signaling pathway; plus strand). Cytogenetic location: 5q22.2.
Variant type: single nucleotide variant.
Coding change: c.890C>T on transcript NM_000038.6 (MANE Select); coding-DNA position 890, C replaced by T.
Protein change: p.Thr297Ile; replaces threonine 297 with isoleucine.
Molecular consequence: missense variant.
Genome position (GRCh38, 1-based): chr5:112,815,550, C>T. VCF-style: chr5-112815550-C-T. GRCh37 (hg19) VCF-style: chr5-112151247-C-T.
Other names: c.890C>T, p.Thr297Ile (NM_001127510.3, NM_001354895.2, NM_001354896.2 and 1 more transcripts); c.836C>T, p.Thr279Ile (NM_001127511.3); c.920C>T, p.Thr307Ile (NM_001354897.2, NM_001354902.2); c.815C>T, p.Thr272Ile (NM_001354898.2, NM_001354904.2); c.806C>T, p.Thr269Ile (NM_001354899.2); c.713C>T, p.Thr238Ile (NM_001354900.2, NM_001354901.2, NM_001354905.2); c.41C>T, p.Thr14Ile (NM_001354906.2); short protein forms T269I, T14I, T272I, T279I, T297I, T307I, T238I.
Identifiers: ClinVar variation 1368868 (VCV001368868.11), dbSNP rs1554079189, ClinGen allele CA16023266.